The following is an entry in ClinVar:

NM_004393.6(DAG1):c.1895A>C (p.Lys632Thr)

Gene: DAG1 (dystroglycan 1; plus strand). Cytogenetic location: 3p21.31.
Variant type: single nucleotide variant.
Coding change: c.1895A>C on transcript NM_004393.6 (MANE Select); coding-DNA position 1895, A replaced by C.
Protein change: p.Lys632Thr; replaces lysine 632 with threonine.
Molecular consequence: missense variant.
Genome position (GRCh38, 1-based): chr3:49,532,406, A>C. VCF-style: chr3-49532406-A-C. GRCh37 (hg19) VCF-style: chr3-49569839-A-C.
Other names: c.1895A>C, p.Lys632Thr (NM_001177636.3, NM_001177637.3, NM_001177638.3 and 9 more transcripts); short protein forms K632T.
Identifiers: ClinVar variation 2114401 (VCV002114401.4), dbSNP rs2472644380, ClinGen allele CA352796378.
Genomic context (GRCh38, chr3:49,532,406, plus strand): 5'-TTGTGGGTGACCCGGCACTGGTGTTGAATGACATCCACAAGAAGATTGCCTTGGTAAAGA[A>C]ACTGGCCTTCGCCTTTGGAGACCGAAACTGTAGCACCATCACCCTGCAGAATATCACCCG-3'
Protein context (NP_004384.5, residues 622-642): DIHKKIALVK[Lys632Thr]LAFAFGDRNC

ClinVar aggregate classification (germline): Uncertain significance (1 of 4 stars; one submission).

Conditions:
Autosomal recessive limb-girdle muscular dystrophy type 2P. Also called: Limb-Girdle Muscular Dystrophy Type 9C; MUSCULAR DYSTROPHY, LIMB-GIRDLE, TYPE 2P; MUSCULAR DYSTROPHY-DYSTROGLYCANOPATHY, LIMB-GIRDLE, DAG1-RELATED. Identifiers: Orphanet 280333, MedGen C4511963, MONDO:0013440, OMIM 613818.
Muscular dystrophy-dystroglycanopathy (congenital with brain and eye anomalies), type A9. Also called: Muscular dystrophy-dystroglycanopathy (congenital with brain and eye anomalies), type a, 9; WALKER-WARBURG SYNDROME OR MUSCLE-EYE BRAIN DISEASE, DAG1-RELATED. Identifiers: Orphanet 370997, Orphanet 899, MedGen C4225291, MONDO:0014683, OMIM 616538.

Submission:

Labcorp Genetics (formerly Invitae), Labcorp
Classification: Uncertain significance for Autosomal recessive limb-girdle muscular dystrophy type 2P; Muscular dystrophy-dystroglycanopathy (congenital with brain and eye anomalies), type A9. Last evaluated: 2022-08-01. Review status: criteria provided, single submitter. Criteria: Invitae Variant Classification Sherloc (09022015). Collection method: clinical testing. Allele origin: germline.
Comment: In summary, the available evidence is currently insufficient to determine the role of this variant in disease. Therefore, it has been classified as a Variant of Uncertain Significance. Algorithms developed to predict the effect of missense changes on protein structure and function are either unavailable or do not agree on the potential impact of this missense change (SIFT: "Deleterious"; PolyPhen-2: "Probably Damaging"; Align-GVGD: "Class C0"). This variant has not been reported in the literature in individuals affected with DAG1-related conditions. This variant is not present in population databases (gnomAD no frequency). This sequence change replaces lysine, which is basic and polar, with threonine, which is neutral and polar, at codon 632 of the DAG1 protein (p.Lys632Thr).